The following is an entry in ClinVar:

NM_000359.3(TGM1):c.991T>C (p.Ser331Pro)

Gene: TGM1 (transglutaminase 1; minus strand). Cytogenetic location: 14q12.
Variant type: single nucleotide variant.
Coding change: c.991T>C on transcript NM_000359.3 (MANE Select); coding-DNA position 991, T replaced by C.
Protein change: p.Ser331Pro; replaces serine 331 with proline.
Molecular consequence: missense variant.
Genome position (GRCh38, 1-based): chr14:24,259,243, A>G on the plus strand (T>C on the coding strand, the complement: TGM1 is on the minus strand). VCF-style: chr14-24259243-A-G. GRCh37 (hg19) VCF-style: chr14-24728449-A-G.
Other names: short protein forms S331P.
Identifiers: ClinVar variation 2577278 (VCV002577278.1), dbSNP rs2502502018, ClinGen allele CA389267190.

ClinVar aggregate classification (germline): Uncertain significance (1 of 4 stars; one submission).

Allele frequency attached by ClinVar (database versions not stated): gnomAD exomes below 0.00001.
gnomAD v4.1: 2 of 1,612,392 alleles (0.00012%); highest among the groups gnomAD compares: Non-Finnish European, 0.000085%; no homozygotes.

Submission:

Women's Health and Genetics/Laboratory Corporation of America, LabCorp
Classification: Uncertain significance. Last evaluated: 2023-07-12. Review status: criteria provided, single submitter. Criteria: LabCorp Variant Classification Summary - May 2015. Collection method: clinical testing. Allele origin: germline.
Comment: Variant summary: TGM1 c.991T>C (p.Ser331Pro) results in a non-conservative amino acid change in the encoded protein sequence. Five of five in-silico tools predict a damaging effect of the variant on protein function. The variant was absent in 246630 control chromosomes (gnomAD). The available data on variant occurrences in the general population are insufficient to allow any conclusion about variant significance. c.991T>C has been reported in the literature as a compound heterozygous genotype in at least one individual affected with autosomal recessive congenital ichthyosis (Farasat_2009, Herman_2009). These report(s) do not provide unequivocal conclusions about association of the variant with Lamellar Ichthyosis. To our knowledge, no experimental evidence demonstrating an impact on protein function has been reported. The following publications have been ascertained in the context of this evaluation (PMID: 18948357, 19241467). No submitters have cited clinical-significance assessments for this variant to ClinVar after 2014. Based on the evidence outlined above, the variant was classified as uncertain significance.

Literature cited by the submitters: PubMed 19241467; PubMed 18948357.